The following is an entry in ClinVar:

ClinVar aggregate classification (germline): Uncertain significance. Review status: criteria provided, multiple submitters, no conflicts (2 of 4 stars). 2 submissions from 2 submitters: Uncertain significance (2). Last evaluated 2024-07-12.

Allele frequency attached by ClinVar (database versions not stated): gnomAD exomes below 0.00001; TOPMed 0.00002.
gnomAD v4.1: 3 of 1,613,144 alleles (0.00019%); highest among the groups gnomAD compares: Admixed American, 0.005%; no homozygotes.

Submissions (2):

Labcorp Genetics (formerly Invitae), Labcorp
Classification: Uncertain significance. Last evaluated: 2024-07-12. Review status: criteria provided, single submitter. Criteria: Invitae Variant Classification Sherloc (09022015). Collection method: clinical testing. Allele origin: germline.
Comment: This sequence change replaces histidine, which is basic and polar, with glutamine, which is neutral and polar, at codon 1102 of the FBN3 protein (p.His1102Gln). This variant is present in population databases (no rsID available, gnomAD 0.009%). This variant has not been reported in the literature in individuals affected with FBN3-related conditions. Advanced modeling of protein sequence and biophysical properties (such as structural, functional, and spatial information, amino acid conservation, physicochemical variation, residue mobility, and thermodynamic stability) performed at Invitae indicates that this missense variant is not expected to disrupt FBN3 protein function with a negative predictive value of 80%. In summary, the available evidence is currently insufficient to determine the role of this variant in disease. Therefore, it has been classified as a Variant of Uncertain Significance.

Ambry Genetics
Classification: Uncertain significance. Last evaluated: 2023-10-02. Review status: criteria provided, single submitter. Criteria: Ambry Variant Classification Scheme 2023. Collection method: clinical testing. Allele origin: germline.

NM_032447.5(FBN3):c.3306T>G (p.His1102Gln)

Gene: FBN3 (fibrillin 3; minus strand). Cytogenetic location: 19p13.2.
Variant type: single nucleotide variant.
Coding change: c.3306T>G on transcript NM_032447.5 (MANE Select); coding-DNA position 3306, T replaced by G.
Protein change: p.His1102Gln; replaces histidine 1102 with glutamine.
Molecular consequence: missense variant.
Genome position (GRCh38, 1-based): chr19:8,118,928, A>C on the plus strand (T>G on the coding strand, the complement: FBN3 is on the minus strand). VCF-style: chr19-8118928-A-C. GRCh37 (hg19) VCF-style: chr19-8183812-A-C.
Other names: c.3306T>G, p.His1102Gln (NM_001321431.2); short protein forms H1102Q.
Identifiers: ClinVar variation 3093375 (VCV003093375.3), dbSNP rs901701585, ClinGen allele CA304935496.